The following is an entry in ClinVar:

ClinVar aggregate classification (germline): Likely benign (1 of 4 stars; one submission).

gnomAD v4.1: 2,385 of 1,612,670 alleles (0.15%); highest among the groups gnomAD compares: African/African-American, 0.87%; 12 homozygotes.

Submission:

CeGaT Center for Human Genetics Tuebingen
Classification: Likely benign. Last evaluated: 2026-09-01. Review status: criteria provided, single submitter. Criteria: CeGaT Center For Human Genetics Tuebingen Variant Classification Criteria Version 2. Collection method: clinical testing. Allele origin: germline. Affected: yes. Observed: 1 variant allele.
Comment: MED16: BP4, BP7

NM_005481.3(MED16):c.1452C>T (p.Thr484=)

Gene: MED16 (mediator complex subunit 16; minus strand). Cytogenetic location: 19p13.3.
Variant type: single nucleotide variant.
Coding change: c.1452C>T on transcript NM_005481.3 (MANE Select); coding-DNA position 1452, C replaced by T.
Protein change: p.Thr484=; no amino-acid change (threonine 484 retained).
Molecular consequence: synonymous variant.
Genome position (GRCh38, 1-based): chr19:877,082, G>A on the plus strand (C>T on the coding strand, the complement: MED16 is on the minus strand). VCF-style: chr19-877082-G-A. GRCh37 (hg19) VCF-style: chr19-877082-G-A.
Identifiers: ClinVar variation 5040825 (VCV005040825.1).